The following is an entry in ClinVar:

ClinVar aggregate classification (germline): Uncertain significance (1 of 4 stars; one submission).

Conditions:
Hajdu-Cheney syndrome (HJCYS). Also called: Acroosteolysis dominant type; SERPENTINE FIBULA-POLYCYSTIC KIDNEY SYNDROME; ACROOSTEOLYSIS WITH OSTEOPOROSIS AND CHANGES IN SKULL AND MANDIBLE. Identifiers: Orphanet 955, MedGen C0917715, MONDO:0007057, OMIM 102500.

Submission:

Labcorp Genetics (formerly Invitae), Labcorp
Classification: Uncertain significance for Hajdu-Cheney syndrome. Last evaluated: 2022-04-29. Review status: criteria provided, single submitter. Criteria: Invitae Variant Classification Sherloc (09022015). Collection method: clinical testing. Allele origin: germline.
Comment: This variant is not present in population databases (gnomAD no frequency). In summary, the available evidence is currently insufficient to determine the role of this variant in disease. Therefore, it has been classified as a Variant of Uncertain Significance. Advanced modeling of protein sequence and biophysical properties (such as structural, functional, and spatial information, amino acid conservation, physicochemical variation, residue mobility, and thermodynamic stability) performed at Invitae indicates that this missense variant is not expected to disrupt NOTCH2 protein function. This variant has not been reported in the literature in individuals affected with NOTCH2-related conditions. This sequence change replaces asparagine, which is neutral and polar, with lysine, which is basic and polar, at codon 1461 of the NOTCH2 protein (p.Asn1461Lys).

NM_024408.4(NOTCH2):c.4383C>A (p.Asn1461Lys)

Gene: NOTCH2 (notch receptor 2; minus strand). Cytogenetic location: 1p12.
Variant type: single nucleotide variant.
Coding change: c.4383C>A on transcript NM_024408.4 (MANE Select); coding-DNA position 4383, C replaced by A.
Protein change: p.Asn1461Lys; replaces asparagine 1461 with lysine.
Molecular consequence: missense variant.
Genome position (GRCh38, 1-based): chr1:119,925,433, G>T on the plus strand (C>A on the coding strand, the complement: NOTCH2 is on the minus strand). VCF-style: chr1-119925433-G-T. GRCh37 (hg19) VCF-style: chr1-120468056-G-T.
Other names: short protein forms N1461K.
Identifiers: ClinVar variation 2131737 (VCV002131737.4), dbSNP rs2101161932, ClinGen allele CA341890046.
Genomic context (GRCh38, chr1:119,925,433, plus strand): 5'-ATCACACTGGTTGTTGATATAATCCCAGCAGGGAAGTGGGGAGGAGCAGTTGGCCCAGGG[G>T]TTCTCCATGGTGAGAGAACAGTCACCCCCATCCCACTGGCAGGCATGGCTGTTGCAGGCC-3'
Protein context (NP_077719.2, residues 1451-1471): DGGDCSLTME[Asn1461Lys]PWANCSSPLP